The following is an entry in ClinVar:

NM_001277115.2(DNAH11):c.9336+3A>G

Gene: DNAH11 (dynein axonemal heavy chain 11; plus strand). Cytogenetic location: 7p15.3.
Variant type: single nucleotide variant.
Coding change: c.9336+3A>G on transcript NM_001277115.2 (MANE Select); 3 bases into the intron after coding-DNA position 9336, A replaced by G.
Molecular consequence: intron variant.
Genome position (GRCh38, 1-based): chr7:21,774,002, A>G. VCF-style: chr7-21774002-A-G. GRCh37 (hg19) VCF-style: chr7-21813620-A-G.
Identifiers: ClinVar variation 2882640 (VCV002882640.3), dbSNP rs2535218624, ClinGen allele CA2578843451.

ClinVar aggregate classification (germline): Uncertain significance (1 of 4 stars; one submission).

Conditions:
Primary ciliary dyskinesia. Also called: Ciliary dyskinesia. Identifiers: Orphanet 244, MedGen C0008780, MONDO:0016575, HP:0012265.

gnomAD v4.1: 1 of 1,546,988 alleles (0.000065%); highest among the groups gnomAD compares: Non-Finnish European, 0.000087%; no homozygotes.

Submission:

Labcorp Genetics (formerly Invitae), Labcorp
Classification: Uncertain significance for Primary ciliary dyskinesia. Last evaluated: 2023-12-22. Review status: criteria provided, single submitter. Criteria: Invitae Variant Classification Sherloc (09022015). Collection method: clinical testing. Allele origin: germline.
Comment: This sequence change falls in intron 56 of the DNAH11 gene. It does not directly change the encoded amino acid sequence of the DNAH11 protein. It affects a nucleotide within the consensus splice site. This variant is not present in population databases (gnomAD no frequency). This variant has been observed in individual(s) with clinical features of primary ciliary dyskinesia (Invitae). Variants that disrupt the consensus splice site are a relatively common cause of aberrant splicing (PMID: 17576681, 9536098). Algorithms developed to predict the effect of sequence changes on RNA splicing suggest that this variant may disrupt the consensus splice site. In summary, the available evidence is currently insufficient to determine the role of this variant in disease. Therefore, it has been classified as a Variant of Uncertain Significance.

Literature cited by the submitters: PubMed 17576681; PubMed 9536098.